The following is an entry in ClinVar:

ClinVar aggregate classification (germline): Uncertain significance. Review status: criteria provided, multiple submitters, no conflicts (2 of 4 stars). 3 submissions from 3 submitters: Uncertain significance (3). Last evaluated 2025-08-05.

Conditions:
Hereditary cancer-predisposing syndrome. Also called: Hereditary neoplastic syndrome; Hereditary Cancer Syndrome; Neoplastic Syndromes, Hereditary; Tumor predisposition. Identifiers: Orphanet 140162, MedGen C0027672, MeSH D009386, MONDO:0015356.
Renal cell carcinoma. Identifiers: Orphanet 217071, MedGen C0007134, MeSH D002292, MONDO:0005086, HP:0005584.

Allele frequency attached by ClinVar (database versions not stated): gnomAD exomes below 0.00001.
gnomAD v4.1: 2 of 1,613,850 alleles (0.00012%); highest among the groups gnomAD compares: Non-Finnish European, 0.00017%; no homozygotes.

Submissions (3):

Ambry Genetics
Classification: Uncertain significance for Hereditary cancer-predisposing syndrome. Last evaluated: 2025-08-05. Review status: criteria provided, single submitter. Criteria: Ambry Variant Classification Scheme 2023. Collection method: clinical testing. Allele origin: germline.
Comment: The p.V1127M variant (also known as c.3379G>A), located in coding exon 15 of the MET gene, results from a G to A substitution at nucleotide position 3379. The valine at codon 1127 is replaced by methionine, an amino acid with highly similar properties. This amino acid position is highly conserved in available vertebrate species. In addition, this alteration is predicted to be deleterious by in silico analysis. Based on the available evidence, the clinical significance of this variant remains unclear.

Labcorp Genetics (formerly Invitae), Labcorp
Classification: Uncertain significance for Renal cell carcinoma. Last evaluated: 2025-03-26. Review status: criteria provided, single submitter. Criteria: Invitae Variant Classification Sherloc (09022015). Collection method: clinical testing. Allele origin: germline.
Comment: This sequence change replaces valine, which is neutral and non-polar, with methionine, which is neutral and non-polar, at codon 1127 of the MET protein (p.Val1127Met). This variant is not present in population databases (gnomAD no frequency). This variant has not been reported in the literature in individuals affected with MET-related conditions. ClinVar contains an entry for this variant (Variation ID: 2567708). Invitae Evidence Modeling of protein sequence and biophysical properties (such as structural, functional, and spatial information, amino acid conservation, physicochemical variation, residue mobility, and thermodynamic stability) indicates that this missense variant is expected to disrupt MET protein function with a positive predictive value of 80%. In summary, the available evidence is currently insufficient to determine the role of this variant in disease. Therefore, it has been classified as a Variant of Uncertain Significance.

GeneDx
Classification: Uncertain significance. Last evaluated: 2023-02-08. Review status: criteria provided, single submitter. Criteria: GeneDx Variant Classification Process June 2021. Collection method: clinical testing. Allele origin: germline. Affected: yes.
Comment: Not observed at significant frequency in large population cohorts (gnomAD); In silico analysis supports that this missense variant does not alter protein structure/function; Has not been previously published as pathogenic or benign to our knowledge

NM_000245.4(MET):c.3325G>A (p.Val1109Met)

Gene: MET (MET proto-oncogene, receptor tyrosine kinase; plus strand). Cytogenetic location: 7q31.2.
Variant type: single nucleotide variant.
Coding change: c.3325G>A on transcript NM_000245.4 (MANE Select); coding-DNA position 3325, G replaced by A.
Protein change: p.Val1109Met; replaces valine 1109 with methionine.
Molecular consequence: missense variant.
Genome position (GRCh38, 1-based): chr7:116,777,454, G>A. VCF-style: chr7-116777454-G-A. GRCh37 (hg19) VCF-style: chr7-116417508-G-A.
Other names: c.3379G>A, p.Val1127Met (NM_001127500.3); c.2035G>A, p.Val679Met (NM_001324402.2); short protein forms V679M, V1127M, V1109M.
Identifiers: ClinVar variation 2567708 (VCV002567708.7), dbSNP rs2117040332, ClinGen allele CA368989832.
Genomic context (GRCh38, chr7:116,777,454, plus strand): 5'-TTTGGTTGTGTATATCATGGGACTTTGTTGGACAATGATGGCAAGAAAATTCACTGTGCT[G>A]TGAAATCCTTGAACAGTAAGTGGCATTTTATTTAACCATGGAGTATACTTTTGTGGTTTG-3'
Protein context (NP_000236.2, residues 1099-1119): DNDGKKIHCA[Val1109Met]KSLNRITDIG